The following is an entry in ClinVar:

ClinVar aggregate classification (germline): Uncertain significance. Review status: criteria provided, multiple submitters, no conflicts (2 of 4 stars). 3 submissions from 3 submitters: Uncertain significance (3). Last evaluated 2025-02-26.

Conditions:
Inborn genetic diseases. Identifiers: MedGen C0950123, MeSH D030342.
Weill-Marchesani 4 syndrome, recessive. Also called: Weill-Marchesani syndrome 4. Identifiers: Orphanet 363992, MedGen C2750787, MONDO:0013176, OMIM 613195.

Allele frequency attached by ClinVar (database versions not stated): TOPMed 0.00007.

Submissions (3):

Ambry Genetics
Classification: Uncertain significance for Inborn genetic diseases. Last evaluated: 2025-02-26. Review status: criteria provided, single submitter. Criteria: Ambry Variant Classification Scheme 2023. Collection method: clinical testing. Allele origin: germline.

Labcorp Genetics (formerly Invitae), Labcorp
Classification: Uncertain significance. Last evaluated: 2022-07-01. Review status: criteria provided, single submitter. Criteria: Invitae Variant Classification Sherloc (09022015). Collection method: clinical testing. Allele origin: germline.
Comment: This sequence change replaces aspartic acid, which is acidic and polar, with histidine, which is basic and polar, at codon 650 of the ADAMTS17 protein (p.Asp650His). This variant is present in population databases (rs145922030, gnomAD 0.02%). This variant has not been reported in the literature in individuals affected with ADAMTS17-related conditions. ClinVar contains an entry for this variant (Variation ID: 827968). Algorithms developed to predict the effect of missense changes on protein structure and function are either unavailable or do not agree on the potential impact of this missense change (SIFT: "Not Available"; PolyPhen-2: "Probably Damaging"; Align-GVGD: "Not Available"). In summary, the available evidence is currently insufficient to determine the role of this variant in disease. Therefore, it has been classified as a Variant of Uncertain Significance.

Center for Genomics, Ann and Robert H. Lurie Children's Hospital of Chicago
Classification: Uncertain significance for Weill-Marchesani 4 syndrome, recessive. Last evaluated: 2021-03-30. Review status: criteria provided, single submitter. Criteria: ACMG Guidelines, 2015. Collection method: clinical testing. Allele origin: germline.
Comment: ADAMTS17 NM_139057.3 exon 14 p.Asp650His (c.1948G>C): This variant has not been reported in the literature but is present in 0.002% (5/24924) of African alleles in the Genome Aggregation Database. Evolutionary conservation and computational predictive tools suggest that this variant may impact the protein. In summary, data on this variant is insufficient for disease classification. Therefore, the clinical significance of this variant is uncertain.

NM_139057.4(ADAMTS17):c.1948G>C (p.Asp650His)

Gene: ADAMTS17 (ADAM metallopeptidase with thrombospondin type 1 motif 17; minus strand). Cytogenetic location: 15q26.3.
Variant type: single nucleotide variant.
Coding change: c.1948G>C on transcript NM_139057.4 (MANE Select); coding-DNA position 1948, G replaced by C.
Protein change: p.Asp650His; replaces aspartic acid 650 with histidine.
Molecular consequence: missense variant.
Genome position (GRCh38, 1-based): chr15:100,109,057, C>G on the plus strand (G>C on the coding strand, the complement: ADAMTS17 is on the minus strand). VCF-style: chr15-100109057-C-G. GRCh37 (hg19) VCF-style: chr15-100649262-C-G.
Other names: c.1948G>C (NM_139057.2); short protein forms D650H.
Identifiers: ClinVar variation 827968 (VCV000827968.8), dbSNP rs145922030, ClinGen allele CA7757970.